The following is an entry in ClinVar:

NM_001105206.3(LAMA4):c.4648del (p.Asp1550fs)

Gene: LAMA4 (laminin subunit alpha 4; minus strand). Cytogenetic location: 6q21.
Variant type: Deletion.
Coding change: c.4648del on transcript NM_001105206.3 (MANE Select); coding-DNA position 4648, one base deleted (G; older notation c.4648delG).
Protein change: p.Asp1550fs; shifts the reading frame from aspartic acid 1550.
Molecular consequence: frameshift variant.
Genome position (GRCh38, 1-based): chr6:112,120,300, C deleted on the plus strand (G on the coding strand, the reverse complement: LAMA4 is on the minus strand). VCF-style (leftmost placement, unchanged base first): chr6-112120299-TC-T. GRCh37 (hg19) VCF-style: chr6-112441502-TC-T.
Other names: c.4627del, p.Asp1543fs (NM_001105207.3, NM_002290.5); short protein forms D1550fs, D1543fs.
Identifiers: ClinVar variation 1741986 (VCV001741986.2), dbSNP rs2546976761, ClinGen allele CA2580074807.
Genomic context (GRCh38, chr6:112,120,299, plus strand): 5'-TGGTAGCTATTTGCTGGTAATGCTGTTCTCTGCCTTCAACTTACATCATGCCACAGGCCA[TC>T]ATTGTATTTCTCCTGGCTTCTAATCTTCAGTTTTTTGTGACCAACATTAAACATGTAAAC-3'

ClinVar aggregate classification (germline): Uncertain significance (1 of 4 stars; one submission).

Conditions:
Cardiovascular phenotype. Identifiers: MedGen CN230736.

Submission:

Ambry Genetics
Classification: Uncertain significance for Cardiovascular phenotype. Last evaluated: 2019-05-18. Review status: criteria provided, single submitter. Criteria: Ambry Variant Classification Scheme 2023. Collection method: clinical testing. Allele origin: germline.
Comment: The c.4627delG variant, located in coding exon 32 of the LAMA4 gene, results from a deletion of one nucleotide at nucleotide position 4627, causing a translational frameshift with a predicted alternate stop codon (p.D1543Mfs*7). This alteration is expected to result in loss of function by premature protein truncation or nonsense-mediated mRNA decay. However, loss of function of LAMA4 has not been clearly established as a mechanism of disease. Since supporting evidence is limited at this time, the clinical significance of this alteration remains unclear.